The following continues an entry in ClinVar:

NM_000157.4(GBA1):c.1504C>T (p.Arg502Cys)

ClinVar aggregate classification (germline): Pathogenic. Pathogenic (22).

Submissions 7 to 17 of 27:

Foundation for Research in Genetics and Endocrinology, FRIGE's Institute of Human Genetics
Classification: Pathogenic for Gaucher disease type I. Last evaluated: 2022-07-30. Review status: criteria provided, single submitter. Criteria: ACMG Guidelines, 2015. Collection method: clinical testing. Allele origin: germline. Inheritance: Autosomal recessive inheritance. Affected: yes. Observed: 1 homozygote.
Comment: A homozygous missense variation in exon 10 of the GBA gene that results in the amino acid substitution of Argenine for Cytosine at codon502 was detected. The observed variant c.1504C>T (p.Arg502Cys) has not been reported in the 1000 genomes and has a MAF of 0.007% in the gnomAD databases. The in silico prediction of the variant is by MutationTaster2. The reference codon is conserved across species. In summary, the variant meets our criteria to be classified as a variant of uncertain significance.

Victorian Clinical Genetics Services, Murdoch Childrens Research Institute
Classification: Pathogenic for Gaucher disease. Last evaluated: 2022-06-24. Review status: criteria provided, single submitter. Criteria: ACMG Guidelines, 2015. Collection method: clinical testing. Allele origin: germline. Inheritance: Autosomal recessive inheritance. Affected: yes.
Comment: Based on the classification scheme VCGS_Germline_v1.3.4, this variant is classified as pathogenic. The following criteria are met: 0102 - Loss of function is a known mechanism of disease in this gene and is associated with Gaucher disease (MIM# 230800, 230900, 231000, 231005, 608013). (I) 0106 - This gene is associated with autosomal recessive disease. (I) 0115 - Variants in this gene are known to have variable expressivity. Gaucher disease is associated with marked clinical variability, even within the same family (PMID: 31010158). (I) 0200 - Variant is predicted to result in a missense amino acid change from arginine to cysteine. (I) 0251 - This variant is heterozygous. (I) 0304 - Variant is present in gnomAD <0.01 for a recessive condition (v2) (19 heterozygotes, 0 homozygotes). (SP) 0309 - An alternative amino acid change at the same position has been observed in gnomAD (v2) (2 heterozygotes, 0 homozygotes). (I) 0501 - Missense variant consistently predicted to be damaging by multiple in silico tools or highly conserved with a major amino acid change. (SP) 0600 - Variant is located in the annotated glycosyl hydrolase family 30 beta sandwich domain (NCBI). (I) 0801 - This variant has strong previous evidence of pathogenicity in unrelated individuals. This variant is also known as p.(Arg463Cys) in the literature. It has previously been reported in >20 Gaucher disease type 1 and 3 patients, however the phenotypic consequence of this variant has been suggested as being particularly inconsistent (ClinVar, PMIDs: 10796875; 33334373; 30764785). (SP) 1002 - This variant has moderate functional evidence supporting abnormal protein function. Functional studies demonstrated that this variant results in reduced GBA enzymatic activity (PMID: 11259172). (SP) 1208 - Inheritance information for this variant is not currently available in this individual. (I) Legend: (SP) - Supporting pathogenic, (I) - Information, (SB) - Supporting benign

GeneDx
Classification: Pathogenic. Last evaluated: 2022-02-02. Review status: criteria provided, single submitter. Criteria: GeneDx Variant Classification Process June 2021. Collection method: clinical testing. Allele origin: germline. Affected: yes.
Comment: Published functional studies demonstrate that R502C has reduced enzyme activity (Hong et al., 1990; Grace et al., 1994); In silico analysis, which includes protein predictors and evolutionary conservation, supports a deleterious effect; Previously reported as R463C due to the use of alternate nomenclature; This variant is associated with the following publications: (PMID: 12595585, 30537300, 10796875, 23413260, 22975760, 23588557, 24482953, 16293621, 8294487, 1972019, 1348297, 19286695, 27717005, 29140481, 8733893, 26008600, 9279145, 29625052, 34426522, 32658388)

Fulgent Genetics
Classification: Pathogenic for Lewy body dementia; Parkinson disease, late-onset; Gaucher disease type I; Gaucher disease type II; Gaucher disease type III; Gaucher disease-ophthalmoplegia-cardiovascular calcification syndrome; Gaucher disease perinatal lethal. Last evaluated: 2021-12-01. Review status: criteria provided, single submitter. Criteria: ACMG Guidelines, 2015. Collection method: clinical testing. Allele origin: unknown.

CENTOGENE GmbH and LLC - Guiding Precision Medicine
Classification: Pathogenic for Gaucher disease type I. Last evaluated: 2021-11-26. Review status: criteria provided, single submitter. Criteria: ACMG Guidelines, 2015. Collection method: clinical testing. Allele origin: germline. Affected: yes.

Illumina Laboratory Services, Illumina
Classification: Pathogenic for Gaucher disease type I. Last evaluated: 2021-10-05. Review status: criteria provided, single submitter. Criteria: ICSLVariantClassificationCriteria RUGD 01 April 2020. Collection method: clinical testing. Allele origin: unknown.
Comment: The GBA c.1504C>T (p.Arg502Cys) variant is a missense variant, also described in the literature as p.Arg463Cys, and is associated with Gaucher disease (GD). Across a selection of the available literature, the p.Arg502Cys variant is reported in a homozygous state in two individuals with GD, and in a compound heterozygous state in 37 individuals with GD patients (Hatton et al. 1997; Koprivica et al. 2000; Emre et al 2008; Huang et al. 2020). The phenotypes and age of onset in affected individuals is variable and includes type 1 and type 3 Gaucher disease. The p.Arg502Cys variant is reported at a frequency of 0.000118 in the European (non-Finnish) population of the Genome Aggregation Database (version 3.1.1). In vitro functional studies have demonstrated reduced enzymatic activity for the p.Arg502Cys variant protein compared to wild-type (Grace et al. 1994). Based on the evidence, the p.Arg502Cys variant is classified as pathogenic for Gaucher disease.

Genetics and Molecular Pathology, SA Pathology
Classification: Pathogenic for Gaucher disease. Last evaluated: 2021-06-08. Review status: criteria provided, single submitter. Criteria: ACMG Guidelines, 2015. Collection method: clinical testing. Allele origin: germline. Affected: yes.

Fulgent Genetics
Classification: Pathogenic for Parkinson disease, late-onset. Last evaluated: 2021-05-03. Review status: criteria provided, single submitter. Criteria: ACMG Guidelines, 2015. Collection method: clinical testing. Allele origin: germline. Affected: yes.

Broad Center for Mendelian Genomics, Broad Institute of MIT and Harvard
Classification: Pathogenic for Gaucher disease type I. Last evaluated: 2020-01-22. Review status: criteria provided, single submitter. Criteria: ACMG Guidelines, 2015. Collection method: curation. Allele origin: germline. Inheritance: Autosomal recessive inheritance.
Comment: The p.Arg502Cys variant in GBA has been reported in at least 17 individuals with Gaucher disease (PMID: 9279145, 24522292, 18586596) and has been identified in 0.011% (14/128876) of European (non-Finnish) chromosomes, 0.010% (3/30616) of South Asian chromosomes, and 0.008% (2/24964) of African chromosomes by the Genome Aggregation Database (gnomAD; dbSNP rs80356771). Although this variant has been seen in the general population, its frequency is low enough to be consistent with a recessive carrier frequency. This variant has also been reported in ClinVar (VariationID: 4295) as pathogenic by EGL Genetic diagnostics, GeneDx, Counsyl, Integrated Genetics, Fulgent Genetics, and OMIM. Computational prediction tools and conservation analyses suggest that this variant may impact the protein, though this information is not predictive enough to determine pathogenicity. One additional variant, resulting in a different amino acid change at the same position, p.Arg502His, has been reported in association with disease in the literature and ClinVar, raising the possibility that a change at this position may not be tolerated (PMID: 21070, PMID: 23332636, 17427031, 28727984). The phenotype of an individual homozygous for this variant is highly specific for Gaucher disease based on Beta-glucosidase activity levels below the diagnostic marker of 8.7 nmol/h/mg protein consistent with disease (PMID: 24522292). Additionally, the homozygous occurrence of this variant in 3 individuals with Gaucher disease and the presence of this variant in combination with reported pathogenic variants in 9 individuals with Gaucher disease increases the likelihood that the p.Arg502Cys variant is pathogenic (VariationID: 4290, 4288, 4293; PMID: 9279145, 24522292, 18586596). In summary, this variant meets criteria to be classified as pathogenic for Gaucher disease in an autosomal recessive manner based on multiple occurrences of the variant in affected individuals and in a homozygous or compound heterozygous state with other pathogenic variants, computational predictions, and the phenotype of a homozygote being highly specific for the disease. ACMG/AMP Criteria applied: PM3_very-strong, PM2_supporting, PP3, PP4 (Richards 2015).

Myriad Genetics, Inc.
Classification: Pathogenic for Gaucher disease type I. Last evaluated: 2019-12-10. Review status: criteria provided, single submitter. Criteria: Myriad Women's Health Autosomal Recessive and X-Linked Classification Criteria (2019). Collection method: clinical testing. Allele origin: unknown.
Comment: NM_001005741.2(GBA):c.1504C>T(R502C, aka R463C) is classified as pathogenic in the context of Gaucher disease, and can be associated with Type 1, 2, or 3 of the disease. Sources cited for classification include the following: PMID 24522292, 12595585, 1348297, 1972019, 24482953, 18586596, 1704891, 8294487, 8118463 and 9279145. Classification of NM_001005741.2(GBA):c.1504C>T(R502C, aka R463C) is based on the following criteria: This is a well-established pathogenic variant in the literature that has been observed more frequently in patients with clinical diagnoses than in healthy populations. Please note: this variant was assessed in the context of healthy population screening.

Baylor Genetics
Classification: Pathogenic for Gaucher disease type I. Last evaluated: 2018-03-21. Review status: criteria provided, single submitter. Criteria: ACMG Guidelines, 2015. Collection method: clinical testing. Allele origin: paternal. Affected: yes.
Comment: This variant was determined to be pathogenic according to ACMG Guidelines, 2015 [PMID:25741868].